The following is an entry in ClinVar:

NM_153614.4(DNAJB13):c.92_95delinsGAG (p.His31fs)

Gene: DNAJB13 (DnaJ heat shock protein family (Hsp40) member B13; plus strand). Cytogenetic location: 11q13.4.
Variant type: Indel.
Coding change: c.92_95delinsGAG on transcript NM_153614.4 (MANE Select); coding-DNA positions 92 to 95, ACCA replaced by GAG.
Protein change: p.His31fs; shifts the reading frame from histidine 31.
Molecular consequence: frameshift variant. On other transcripts: 5 prime UTR variant (1).
Genome position (GRCh38, 1-based): chr11:73,958,340-73,958,343, ACCA replaced by GAG. VCF-style: chr11-73958340-ACCA-GAG. GRCh37 (hg19) VCF-style: chr11-73669385-ACCA-GAG.
Other names: c.-214_-211delinsGAG (NM_001377263.1); short protein forms H31fs.
Identifiers: ClinVar variation 1805029 (VCV001805029.2), dbSNP rs2495859707, ClinGen allele CA1139771228.
Genomic context (GRCh38, chr11:73,958,340, plus strand): 5'-CAGCTGATAAGACTTGTATTAATTCTCCCTCTTCCAGGTACCGCAGACTCGCCCTTAAGC[ACCA>GAG]CCCGTTGAAGTCAAATGAGCCGTCTTCAGCAGAGATTTTCAGGCAAATAGCAGAGGCCTA-3'

ClinVar aggregate classification (germline): Pathogenic (1 of 4 stars; one submission).

Conditions:
Primary ciliary dyskinesia 34. Also called: CILIARY DYSKINESIA, PRIMARY, 34, WITHOUT SITUS INVERSUS. Identifiers: Orphanet 244, MedGen C4310722, MONDO:0014909, OMIM 617091.

Submission:

Victorian Clinical Genetics Services, Murdoch Childrens Research Institute
Classification: Pathogenic for Primary ciliary dyskinesia 34. Last evaluated: 2024-10-11. Review status: criteria provided, single submitter. Criteria: ACMG Guidelines, 2015. Collection method: clinical testing. Allele origin: germline. Inheritance: Autosomal recessive inheritance. Affected: yes.
Comment: Based on the classification scheme VCGS_Germline_v1.3.5, this variant is classified as Pathogenic. Following criteria are met: 0102 - Loss of function is a known mechanism of disease in this gene and is associated with primary ciliary dyskinesia 34 (MIM#617091). (I) 0106 - This gene is associated with autosomal recessive disease. (I) 0204 - Variant is predicted to result in a truncated protein (premature termination codon is located within the first 102 nucleotides and is predicted to escape NMD). (SP) 0252 - This variant is homozygous. (I) 0301 - Variant is absent from gnomAD (v2, v3 and v4). (SP) 0703 - Other NMD-escape variants comparable to the one identified in this case have moderate previous evidence for pathogenicity. Two variants which create a termination codon within the first 102 nucleotides have been observed as homozygous in individuals with primary ciliary dyskinesia (ClinVar, personal correspondence, PMID: 27486783). (SP) 0807 - This variant has no previous evidence of pathogenicity. (I) 0903 - This variant has limited evidence for segregation with disease. This variant was shown by this laboratory to segregate in three affected siblings from the same family. (SP) 1007 - No published functional evidence has been identified for this variant. (I) 1208 - Inheritance information for this variant is not currently available in this individual. (I) Legend: (SP) - Supporting pathogenic, (I) - Information, (SB) - Supporting benign

Literature cited by the submitters: PubMed 27486783.